The following is an entry in ClinVar:

ClinVar aggregate classification (germline): Benign. Review status: criteria provided, multiple submitters, no conflicts (2 of 4 stars). 3 submissions from 3 submitters: Benign (3). Last evaluated 2018-09-26.

Conditions:
Torsion dystonia 6 (DYT6). Also called: DYT-THAP1. Identifiers: Orphanet 98806, MedGen C1414216, MONDO:0011264, OMIM 602629.

Allele frequency attached by ClinVar (database versions not stated): 1000 Genomes Project 0.00379; 1000 Genomes Project 30x 0.00359; TOPMed 0.01003.

Submissions (3):

GeneDx
Classification: Benign. Last evaluated: 2018-09-26. Review status: criteria provided, single submitter. Criteria: GeneDx Variant Classification Process June 2021. Collection method: clinical testing. Allele origin: germline. Affected: yes.

Illumina Laboratory Services, Illumina
Classification: Benign for Torsion dystonia 6. Last evaluated: 2018-01-13. Review status: criteria provided, single submitter. Criteria: ICSL Variant Classification Criteria 13 December 2019. Collection method: clinical testing. Allele origin: germline.
Comment: This variant was observed in the ICSL laboratory as part of a predisposition screen in an ostensibly healthy population. It had not been previously curated by ICSL or reported in the Human Gene Mutation Database (HGMD: prior to June 1st, 2018), and was therefore a candidate for classification through an automated scoring system. Utilizing variant allele frequency, disease prevalence and penetrance estimates, and inheritance mode, an automated score was calculated to assess if this variant is too frequent to cause the disease. Based on the score and internal cut-off values, a variant classified as benign is not then subjected to further curation. The score for this variant resulted in a classification of benign for this disease.

Breakthrough Genomics
Classification: Benign. Review status: criteria provided, single submitter. Criteria: ACMG Guidelines, 2015. Collection method: not provided. Allele origin: germline. Inheritance: Autosomal dominant inheritance. Affected: yes.

NM_018105.2(THAP1):c.-236A>T

Gene: THAP1 (THAP domain containing 1; minus strand). Cytogenetic location: 8p11.21.
Variant type: single nucleotide variant.
Coding change: c.-236A>T on transcript NM_018105.2; 236 bases upstream of the start codon, A replaced by T.
Genome position (GRCh38, 1-based): chr8:42,843,330, T>A on the plus strand (A>T on the coding strand, the complement: THAP1 is on the minus strand). VCF-style: chr8-42843330-T-A. GRCh37 (hg19) VCF-style: chr8-42698473-T-A.
Identifiers: ClinVar variation 363133 (VCV000363133.9), dbSNP rs184497763, ClinGen allele CA10625510.